The following is an entry in ClinVar:

ClinVar aggregate classification (germline): Uncertain significance (1 of 4 stars; one submission).

Conditions:
Bardet-Biedl syndrome (BBS). Identifiers: Orphanet 110, MedGen C0752166, MONDO:0015229.

Allele frequency attached by ClinVar (database versions not stated): gnomAD exomes below 0.00001; ExAC 0.00001.
gnomAD v4.1: 4 of 1,612,376 alleles (0.00025%); highest among the groups gnomAD compares: Non-Finnish European, 0.00034%; no homozygotes.

Submission:

Labcorp Genetics (formerly Invitae), Labcorp
Classification: Uncertain significance for Bardet-Biedl syndrome. Last evaluated: 2019-10-04. Review status: criteria provided, single submitter. Criteria: Invitae Variant Classification Sherloc (09022015). Collection method: clinical testing. Allele origin: germline.
Comment: Algorithms developed to predict the effect of sequence changes on RNA splicing suggest that this variant may disrupt the consensus splice site, but this prediction has not been confirmed by published transcriptional studies. In summary, the available evidence is currently insufficient to determine the role of this variant in disease. Therefore, it has been classified as a Variant of Uncertain Significance. Algorithms developed to predict the effect of missense changes on protein structure and function (SIFT, PolyPhen-2, Align-GVGD) all suggest that this variant is likely to be tolerated, but these predictions have not been confirmed by published functional studies and their clinical significance is uncertain. This variant has not been reported in the literature in individuals with TTC8-related conditions. This variant is present in population databases (rs753441040, ExAC 0.002%). This sequence change replaces isoleucine with phenylalanine at codon 468 of the TTC8 protein (p.Ile468Phe). The isoleucine residue is moderately conserved and there is a small physicochemical difference between isoleucine and phenylalanine.

NM_144596.4(TTC8):c.1432A>T (p.Ile478Phe)

Gene: TTC8 (tetratricopeptide repeat domain 8; plus strand). Cytogenetic location: 14q31.3.
Variant type: single nucleotide variant.
Coding change: c.1432A>T on transcript NM_144596.4 (MANE Select); coding-DNA position 1432, A replaced by T.
Protein change: p.Ile478Phe; replaces isoleucine 478 with phenylalanine.
Molecular consequence: missense variant. On other transcripts: non-coding transcript variant (1).
Genome position (GRCh38, 1-based): chr14:88,877,294, A>T. VCF-style: chr14-88877294-A-T. GRCh37 (hg19) VCF-style: chr14-89343638-A-T.
Other names: c.1480A>T, p.Ile494Phe (NM_001288781.1); c.838A>T, p.Ile280Phe (NM_001288782.1); c.715A>T, p.Ile239Phe (NM_001288783.1); c.1318A>T, p.Ile440Phe (NM_001366535.2); c.1228A>T, p.Ile410Phe (NM_001366536.2); c.1402A>T, p.Ile468Phe (NM_198309.3); c.1312A>T, p.Ile438Phe (NM_198310.3); short protein forms I239F, I280F, I438F, I440F, I468F, I494F, I410F, I478F.
Identifiers: ClinVar variation 957784 (VCV000957784.9), dbSNP rs753441040, ClinGen allele CA7302777.